The following is an entry in ClinVar:

NM_152281.3(GORAB):c.61+1G>A

Genes: GORAB (golgin, RAB6 interacting; plus strand), GORAB-AS1 (GORAB antisense RNA 1; minus strand). Cytogenetic location: 1q24.2.
Variant type: single nucleotide variant.
Coding change: c.61+1G>A on transcript NM_152281.3 (MANE Select); the canonical splice donor site of the intron after coding-DNA position 61, G replaced by A.
Molecular consequence: splice donor variant. On other transcripts: intron variant (1).
Genome position (GRCh38, 1-based): chr1:170,532,285, G>A. VCF-style: chr1-170532285-G-A. GRCh37 (hg19) VCF-style: chr1-170501426-G-A.
Other names: c.-705+1G>A (NM_001320252.2); c.10+52G>A (NM_001410894.1); c.61+1G>A (NM_001146039.2).
Identifiers: ClinVar variation 2830611 (VCV002830611.3), dbSNP rs1648727775, ClinGen allele CA343160349.

ClinVar aggregate classification (germline): Likely pathogenic (1 of 4 stars; one submission).

Allele frequency attached by ClinVar (database versions not stated): gnomAD exomes below 0.00001.
gnomAD v4.1: 1 of 1,614,068 alleles (0.000062%); highest among the groups gnomAD compares: South Asian, 0.0011%; no homozygotes.

Submission:

Labcorp Genetics (formerly Invitae), Labcorp
Classification: Likely pathogenic. Last evaluated: 2023-01-20. Review status: criteria provided, single submitter. Criteria: Invitae Variant Classification Sherloc (09022015). Collection method: clinical testing. Allele origin: germline.
Comment: This sequence change affects a donor splice site in intron 1 of the GORAB gene. It is expected to disrupt RNA splicing. Variants that disrupt the donor or acceptor splice site typically lead to a loss of protein function (PMID: 16199547), and loss-of-function variants in GORAB are known to be pathogenic (PMID: 18997784, 19681135). In summary, the currently available evidence indicates that the variant is pathogenic, but additional data are needed to prove that conclusively. Therefore, this variant has been classified as Likely Pathogenic. Algorithms developed to predict the effect of sequence changes on RNA splicing suggest that this variant may disrupt the consensus splice site. This variant has not been reported in the literature in individuals affected with GORAB-related conditions. This variant is not present in population databases (gnomAD no frequency).

Literature cited by the submitters: PubMed 16199547; PubMed 18997784; PubMed 19681135.